The following is an entry in ClinVar:

NM_001159773.2(CANT1):c.1170C>G (p.Ile390Met)

Gene: CANT1 (calcium activated nucleotidase 1; minus strand). Cytogenetic location: 17q25.3.
Variant type: single nucleotide variant.
Coding change: c.1170C>G on transcript NM_001159773.2 (MANE Select); coding-DNA position 1170, C replaced by G.
Protein change: p.Ile390Met; replaces isoleucine 390 with methionine.
Molecular consequence: missense variant.
Genome position (GRCh38, 1-based): chr17:78,993,586, G>C on the plus strand (C>G on the coding strand, the complement: CANT1 is on the minus strand). VCF-style: chr17-78993586-G-C. GRCh37 (hg19) VCF-style: chr17-76989668-G-C.
Other names: c.1170C>G, p.Ile390Met (NM_001159772.2, NM_138793.4); c.1170C>G (NM_138793.3); short protein forms I390M.
Identifiers: ClinVar variation 2417672 (VCV002417672.5), dbSNP rs1215617514, ClinGen allele CA401305970.

ClinVar aggregate classification (germline): Uncertain significance. Review status: criteria provided, multiple submitters, no conflicts (2 of 4 stars). 2 submissions from 2 submitters: Uncertain significance (2). Last evaluated 2025-11-03.

Conditions:
Inborn genetic diseases. Identifiers: MedGen C0950123, MeSH D030342.

Allele frequency attached by ClinVar (database versions not stated): gnomAD exomes 0.00001; TOPMed 0.00002.
gnomAD v4.1: 8 of 1,614,110 alleles (0.0005%); highest among the groups gnomAD compares: Admixed American, 0.013%; no homozygotes.

Submissions (2):

Ambry Genetics
Classification: Uncertain significance for Inborn genetic diseases. Last evaluated: 2025-11-03. Review status: criteria provided, single submitter. Criteria: Ambry Variant Classification Scheme 2023. Collection method: clinical testing. Allele origin: germline.

Labcorp Genetics (formerly Invitae), Labcorp
Classification: Uncertain significance. Last evaluated: 2025-07-14. Review status: criteria provided, single submitter. Criteria: Invitae Variant Classification Sherloc (09022015). Collection method: clinical testing. Allele origin: germline.
Comment: This sequence change replaces isoleucine, which is neutral and non-polar, with methionine, which is neutral and non-polar, at codon 390 of the CANT1 protein (p.Ile390Met). This variant is present in population databases (no rsID available, gnomAD 0.009%). This variant has not been reported in the literature in individuals affected with CANT1-related conditions. ClinVar contains an entry for this variant (Variation ID: 2417672). Invitae Evidence Modeling of protein sequence and biophysical properties (such as structural, functional, and spatial information, amino acid conservation, physicochemical variation, residue mobility, and thermodynamic stability) indicates that this missense variant is expected to disrupt CANT1 protein function with a positive predictive value of 95%. In summary, the available evidence is currently insufficient to determine the role of this variant in disease. Therefore, it has been classified as a Variant of Uncertain Significance.